The following is an entry in ClinVar:

ClinVar aggregate classification (germline): Pathogenic (1 of 4 stars; one submission).

Conditions:
Ataxia-telangiectasia syndrome (AT). Also called: Ataxia-telangiectasia, complementation group D; AT, COMPLEMENTATION GROUP C; Ataxia-telangiectasia, complementation group E; Cerebello-oculocutaneous telangiectasia; Immunodeficiency with ataxia telangiectasia; ATAXIA-TELANGIECTASIA, COMPLEMENTATION GROUP A. Identifiers: Orphanet 100, MedGen C0004135, MONDO:0008840, OMIM 208900.

Submission:

Labcorp Genetics (formerly Invitae), Labcorp
Classification: Pathogenic for Ataxia-telangiectasia syndrome. Last evaluated: 2019-12-14. Review status: criteria provided, single submitter. Criteria: Invitae Variant Classification Sherloc (09022015). Collection method: clinical testing. Allele origin: germline.
Comment: A gross deletion of the genomic region encompassing the full coding sequence of the ATM gene has been identified. The boundaries of this event are unknown as the deletion extends beyond the assayed region for this gene and therefore may encompass additional genes. This variant has not been reported in the literature in individuals with ATM-related disease. Loss-of-function variants in ATM are known to be pathogenic (PMID: 23807571, 25614872). For these reasons, this variant has been classified as Pathogenic.

Literature cited by the submitters: PubMed 23807571; PubMed 25614872.

NC_000011.10:g.(?_108227615)_(108365518_?)del

Genes: ATM (ATM serine/threonine kinase; plus strand), C11orf65 (chromosome 11 open reading frame 65; minus strand), LOC128772356 (melanoma risk locus-associated MPRA allelic enhancer 11:108140516; plus strand), LOC129390352 (MPRA-validated peak1449 silencer; plus strand), LOC129390353 (MPRA-validated peak1450 silencer; plus strand) and 1 more. Cytogenetic location: 11q22.3.
Variant type: Deletion.
Identifiers: ClinVar variation 584290 (VCV000584290.4).